The following is an entry in ClinVar:

NM_002095.6(GTF2E2):c.403G>A (p.Gly135Arg)

Gene: GTF2E2 (general transcription factor IIE subunit 2; minus strand). Cytogenetic location: 8p12.
Variant type: single nucleotide variant.
Coding change: c.403G>A on transcript NM_002095.6 (MANE Select); coding-DNA position 403, G replaced by A.
Protein change: p.Gly135Arg; replaces glycine 135 with arginine.
Molecular consequence: missense variant.
Genome position (GRCh38, 1-based): chr8:30,612,445, C>T on the plus strand (G>A on the coding strand, the complement: GTF2E2 is on the minus strand). VCF-style: chr8-30612445-C-T. GRCh37 (hg19) VCF-style: chr8-30469962-C-T.
Other names: c.403G>A, p.Gly135Arg (NM_001348353.1); short protein forms G135R.
Identifiers: ClinVar variation 1521734 (VCV001521734.7), dbSNP rs775599789, ClinGen allele CA4700972.
Genomic context (GRCh38, chr8:30,612,445, plus strand): 5'-AGAGCCTAAGTAGGGCCTTCTTATCTCTCACGTTGTACTTGGGCTTGAAAGCATACTTCC[C>T]ATCTATTACTTCAATTTTGGGATTGTTGACTAAAGCCTGTAACAGTGATACAATTGGAAT-3'
Protein context (NP_002086.1, residues 125-145): VNNPKIEVID[Gly135Arg]KYAFKPKYNV

ClinVar aggregate classification (germline): Uncertain significance (1 of 4 stars; one submission).

Allele frequency attached by ClinVar (database versions not stated): ExAC 0.00001; gnomAD exomes 0.00001.

Submission:

Labcorp Genetics (formerly Invitae), Labcorp
Classification: Uncertain significance. Last evaluated: 2024-04-25. Review status: criteria provided, single submitter. Criteria: Invitae Variant Classification Sherloc (09022015). Collection method: clinical testing. Allele origin: germline.
Comment: This sequence change replaces glycine, which is neutral and non-polar, with arginine, which is basic and polar, at codon 135 of the GTF2E2 protein (p.Gly135Arg). This variant is present in population databases (rs775599789, gnomAD 0.009%). This variant has not been reported in the literature in individuals affected with GTF2E2-related conditions. ClinVar contains an entry for this variant (Variation ID: 1521734). Advanced modeling of protein sequence and biophysical properties (such as structural, functional, and spatial information, amino acid conservation, physicochemical variation, residue mobility, and thermodynamic stability) performed at Invitae indicates that this missense variant is not expected to disrupt GTF2E2 protein function with a negative predictive value of 80%. In summary, the available evidence is currently insufficient to determine the role of this variant in disease. Therefore, it has been classified as a Variant of Uncertain Significance.